The following is an entry in ClinVar:

ClinVar aggregate classification (germline): Uncertain significance (1 of 4 stars; one submission).

Conditions:
Tuberous sclerosis 2 (TSC2). Identifiers: Orphanet 805, MedGen C1860707, MONDO:0013199, OMIM 613254.

Allele frequency attached by ClinVar (database versions not stated): gnomAD exomes below 0.00001.
gnomAD v4.1: 1 of 1,614,118 alleles (0.000062%); no homozygotes.

Submission:

Labcorp Genetics (formerly Invitae), Labcorp
Classification: Uncertain significance for Tuberous sclerosis 2. Last evaluated: 2019-04-26. Review status: criteria provided, single submitter. Criteria: Invitae Variant Classification Sherloc (09022015). Collection method: clinical testing. Allele origin: germline.
Comment: Algorithms developed to predict the effect of missense changes on protein structure and function (SIFT, PolyPhen-2, Align-GVGD) all suggest that this variant is likely to be disruptive, but these predictions have not been confirmed by published functional studies. In summary, this variant is a novel missense change with uncertain impact on protein function. It has been classified as a Variant of Uncertain Significance. This variant is not present in population databases (ExAC no frequency) and has not been reported in the literature in individuals with a TSC2-related disease. This sequence change replaces glutamic acid with glycine at codon 412 of the TSC2 protein (p.Glu412Gly). The glutamic acid residue is highly conserved and there is a moderate physicochemical difference between glutamic acid and glycine.

NM_000548.5(TSC2):c.1235A>G (p.Glu412Gly)

Gene: TSC2 (TSC complex subunit 2; plus strand). Cytogenetic location: 16p13.3.
Variant type: single nucleotide variant.
Coding change: c.1235A>G on transcript NM_000548.5 (MANE Select); coding-DNA position 1235, A replaced by G.
Protein change: p.Glu412Gly; replaces glutamic acid 412 with glycine.
Molecular consequence: missense variant.
Genome position (GRCh38, 1-based): chr16:2,061,986, A>G. VCF-style: chr16-2061986-A-G. GRCh37 (hg19) VCF-style: chr16-2111987-A-G.
Other names: c.1235A>G, p.Glu412Gly (NM_001077183.3, NM_001114382.3, NM_001363528.2 and 3 more transcripts); c.1124A>G, p.Glu375Gly (NM_001318827.2); c.1088A>G, p.Glu363Gly (NM_001318829.2); c.635A>G, p.Glu212Gly (NM_001318831.2); c.1268A>G, p.Glu423Gly (NM_001318832.2); short protein forms E412G, E363G, E375G, E423G, E212G.
Identifiers: ClinVar variation 467853 (VCV000467853.9), dbSNP rs137854026, ClinGen allele CA394321332.